The following is an entry in ClinVar:

NM_006796.3(AFG3L2):c.1342G>A (p.Val448Ile)

Gene: AFG3L2 (AFG3 like matrix AAA peptidase subunit 2; minus strand). Cytogenetic location: 18p11.21.
Variant type: single nucleotide variant.
Coding change: c.1342G>A on transcript NM_006796.3 (MANE Select); coding-DNA position 1342, G replaced by A.
Protein change: p.Val448Ile; replaces valine 448 with isoleucine.
Molecular consequence: missense variant.
Genome position (GRCh38, 1-based): chr18:12,351,390, C>T on the plus strand (G>A on the coding strand, the complement: AFG3L2 is on the minus strand). VCF-style: chr18-12351390-C-T. GRCh37 (hg19) VCF-style: chr18-12351389-C-T.
Other names: short protein forms V448I.
Identifiers: ClinVar variation 2348072 (VCV002348072.27), dbSNP rs368011609, ClinGen allele CA8896516.
Genomic context (GRCh38, chr18:12,351,390, plus strand): 5'-GCCCCGGCCTAAGCAGCGCGGGGTCCAGGATATCTGGTCGATTGGTGCCGGCCAAAATGA[C>T]GACATTTGTTGTTGTATTAAAACCTGAAAGATAACAAAAATGCAAACACTATTAAATGAC-3'
Protein context (NP_006787.2, residues 438-458): MDGFNTTTNV[Val448Ile]ILAGTNRPDI

ClinVar aggregate classification (germline): Uncertain significance. Review status: criteria provided, multiple submitters, no conflicts (2 of 4 stars). 3 submissions from 3 submitters: Uncertain significance (3). Last evaluated 2025-07-01.

Conditions:
Inborn genetic diseases. Identifiers: MedGen C0950123, MeSH D030342.

Allele frequency attached by ClinVar (database versions not stated): TOPMed below 0.00001; ExAC 0.00001; gnomAD exomes 0.00001; ESP Exome Variant Server 0.00008.
gnomAD v4.1: 17 of 1,614,036 alleles (0.0011%); highest among the groups gnomAD compares: Non-Finnish European, 0.0013%; no homozygotes.

Submissions (3):

Ambry Genetics
Classification: Uncertain significance for Inborn genetic diseases. Last evaluated: 2025-07-01. Review status: criteria provided, single submitter. Criteria: Ambry Variant Classification Scheme 2023. Collection method: clinical testing. Allele origin: germline.

Labcorp Genetics (formerly Invitae), Labcorp
Classification: Uncertain significance. Last evaluated: 2025-02-07. Review status: criteria provided, single submitter. Criteria: Invitae Variant Classification Sherloc (09022015). Collection method: clinical testing. Allele origin: germline.
Comment: This sequence change replaces valine, which is neutral and non-polar, with isoleucine, which is neutral and non-polar, at codon 448 of the AFG3L2 protein (p.Val448Ile). This variant is present in population databases (rs368011609, gnomAD 0.01%). This variant has not been reported in the literature in individuals affected with AFG3L2-related conditions. ClinVar contains an entry for this variant (Variation ID: 2348072). Invitae Evidence Modeling of protein sequence and biophysical properties (such as structural, functional, and spatial information, amino acid conservation, physicochemical variation, residue mobility, and thermodynamic stability) indicates that this missense variant is not expected to disrupt AFG3L2 protein function with a negative predictive value of 95%. In summary, the available evidence is currently insufficient to determine the role of this variant in disease. Therefore, it has been classified as a Variant of Uncertain Significance.

CeGaT Center for Human Genetics Tuebingen
Classification: Uncertain significance. Last evaluated: 2023-12-01. Review status: criteria provided, single submitter. Criteria: CeGaT Center For Human Genetics Tuebingen Variant Classification Criteria Version 2. Collection method: clinical testing. Allele origin: germline. Affected: yes. Observed: 1 variant allele.
Comment: AFG3L2: PM2